The following is an entry in ClinVar:

NM_001845.6(COL4A1):c.3267C>G (p.Ile1089Met)

Gene: COL4A1 (collagen type IV alpha 1 chain; minus strand). Cytogenetic location: 13q34.
Variant type: single nucleotide variant.
Coding change: c.3267C>G on transcript NM_001845.6 (MANE Select); coding-DNA position 3267, C replaced by G.
Protein change: p.Ile1089Met; replaces isoleucine 1089 with methionine.
Molecular consequence: missense variant.
Genome position (GRCh38, 1-based): chr13:110,174,681, G>C on the plus strand (C>G on the coding strand, the complement: COL4A1 is on the minus strand). VCF-style: chr13-110174681-G-C. GRCh37 (hg19) VCF-style: chr13-110827028-G-C.
Other names: short protein forms I1089M.
Identifiers: ClinVar variation 3575702 (VCV003575702.3).

ClinVar aggregate classification (germline): Uncertain significance. Review status: criteria provided, multiple submitters, no conflicts (2 of 4 stars). 2 submissions from 2 submitters: Uncertain significance (2). Last evaluated 2024-09-27.

Conditions:
Brain small vessel disease 1 with or without ocular anomalies (BSVD1). Also called: BRAIN SMALL VESSEL DISEASE WITH HEMORRHAGE; Brain small vessel disease with or without ocular anomalies; GOULD SYNDROME 1; PORENCEPHALY, TYPE 1, AUTOSOMAL DOMINANT. Identifiers: Orphanet 2940, Orphanet 36383, Orphanet 99810, MedGen C4755307, MONDO:0008289, OMIM 175780.
Hemorrhage, intracerebral, susceptibility to (ICH). Also called: Stroke, hemorrhagic, susceptibility to. Identifiers: MedGen C3281105, MONDO:0100533, OMIM 614519.
Retinal arterial tortuosity. Also called: RETINAL HEMORRHAGE WITH VASCULAR TORTUOSITY; Retinal arteries, tortuosity of. Identifiers: Orphanet 75326, MedGen C0423401, MONDO:0008373, OMIM 180000, HP:0000631.
Autosomal dominant familial hematuria-retinal arteriolar tortuosity-contractures syndrome. Also called: Angiopathy, hereditary, with nephropathy, aneurysms, and muscle cramps; Hereditary Angiopathy with Nephropathy, Aneurysms, and Muscle Cramps (HANAC) Syndrome. Identifiers: Orphanet 73229, MedGen C2673195, MONDO:0012726, OMIM 611773.
Microangiopathy and leukoencephalopathy, pontine, autosomal dominant. Also called: DEMENTIA, HEREDITARY MULTI-INFARCT, SWEDISH TYPE; Pontine autosomal dominant microangiopathy with leukoencephalopathy. Identifiers: Orphanet 477749, MedGen C5231411, MONDO:0032814, OMIM 618564.

Submissions (2):

Labcorp Genetics (formerly Invitae), Labcorp
Classification: Uncertain significance. Last evaluated: 2024-09-27. Review status: criteria provided, single submitter. Criteria: Invitae Variant Classification Sherloc (09022015). Collection method: clinical testing. Allele origin: germline.
Comment: This sequence change replaces isoleucine, which is neutral and non-polar, with methionine, which is neutral and non-polar, at codon 1089 of the COL4A1 protein (p.Ile1089Met). This variant is not present in population databases (gnomAD no frequency). This variant has not been reported in the literature in individuals affected with COL4A1-related conditions. An algorithm developed to predict the effect of missense changes on protein structure and function outputs the following: PolyPhen-2: "Benign". The methionine amino acid residue is found in multiple mammalian species, which suggests that this missense change does not adversely affect protein function. In summary, the available evidence is currently insufficient to determine the role of this variant in disease. Therefore, it has been classified as a Variant of Uncertain Significance.

Fulgent Genetics
Classification: Uncertain significance for Brain small vessel disease 1 with or without ocular anomalies; Retinal arterial tortuosity; Autosomal dominant familial hematuria-retinal arteriolar tortuosity-contractures syndrome; Hemorrhage, intracerebral, susceptibility to; Microangiopathy and leukoencephalopathy, pontine, autosomal dominant. Last evaluated: 2024-06-17. Review status: criteria provided, single submitter. Criteria: ACMG Guidelines, 2015. Collection method: clinical testing. Allele origin: germline.